The following is an entry in ClinVar:

NM_001197104.2(KMT2A):c.11432G>A (p.Arg3811Lys)

Genes: KMT2A (lysine methyltransferase 2A; plus strand), TTC36-AS1 (TTC36 and KMT2A antisense RNA 1; minus strand). Cytogenetic location: 11q23.3.
Variant type: single nucleotide variant.
Coding change: c.11432G>A on transcript NM_001197104.2 (MANE Select); coding-DNA position 11432, G replaced by A.
Protein change: p.Arg3811Lys; replaces arginine 3811 with lysine.
Molecular consequence: missense variant.
Genome position (GRCh38, 1-based): chr11:118,520,804, G>A. VCF-style: chr11-118520804-G-A. GRCh37 (hg19) VCF-style: chr11-118391519-G-A.
Other names: c.11522G>A, p.Arg3841Lys (NM_001412597.1); c.11423G>A, p.Arg3808Lys (NM_005933.4); short protein forms R3808K, R3811K, R3841K.
Identifiers: ClinVar variation 4076554 (VCV004076554.1).

ClinVar aggregate classification (germline): Uncertain significance (1 of 4 stars; one submission).

Submission:

GeneDx
Classification: Uncertain significance. Last evaluated: 2025-02-25. Review status: criteria provided, single submitter. Criteria: GeneDx Variant Classification Process June 2021. Collection method: clinical testing. Allele origin: germline. Affected: yes.
Comment: Not observed at significant frequency in large population cohorts (gnomAD); In silico analysis supports a deleterious effect on splicing; In silico analysis indicates that this missense variant does not alter protein structure/function; Has not been previously published as pathogenic or benign to our knowledge